The following is an entry in ClinVar:

ClinVar aggregate classification (germline): Uncertain significance. Review status: criteria provided, multiple submitters, no conflicts (2 of 4 stars). 3 submissions from 3 submitters: Uncertain significance (3). Last evaluated 2024-02-21.

Conditions:
Inborn genetic diseases. Identifiers: MedGen C0950123, MeSH D030342.

Allele frequency attached by ClinVar (database versions not stated): ExAC 0.00003; gnomAD exomes 0.00004; TOPMed 0.00007; gnomAD 0.00011.
gnomAD v4.1: 58 of 1,612,810 alleles (0.0036%); highest among the groups gnomAD compares: African/African-American, 0.025%; no homozygotes.

Submissions (3):

Ambry Genetics
Classification: Uncertain significance for Inborn genetic diseases. Last evaluated: 2024-02-21. Review status: criteria provided, single submitter. Criteria: Ambry Variant Classification Scheme 2023. Collection method: clinical testing. Allele origin: germline.

Labcorp Genetics (formerly Invitae), Labcorp
Classification: Uncertain significance. Last evaluated: 2022-08-10. Review status: criteria provided, single submitter. Criteria: Invitae Variant Classification Sherloc (09022015). Collection method: clinical testing. Allele origin: germline.
Comment: This sequence change replaces arginine, which is basic and polar, with tryptophan, which is neutral and slightly polar, at codon 1189 of the DOCK6 protein (p.Arg1189Trp). This variant is present in population databases (rs778637528, gnomAD 0.03%). This variant has not been reported in the literature in individuals affected with DOCK6-related conditions. ClinVar contains an entry for this variant (Variation ID: 1501383). Algorithms developed to predict the effect of missense changes on protein structure and function are either unavailable or do not agree on the potential impact of this missense change (SIFT: "Deleterious"; PolyPhen-2: "Benign"; Align-GVGD: "Class C0"). In summary, the available evidence is currently insufficient to determine the role of this variant in disease. Therefore, it has been classified as a Variant of Uncertain Significance.

Breakthrough Genomics
Classification: Uncertain significance. Review status: criteria provided, single submitter. Criteria: ACMG Guidelines, 2015. Collection method: not provided. Allele origin: germline. Inheritance: Autosomal recessive inheritance. Affected: yes.

NM_020812.4(DOCK6):c.3565C>T (p.Arg1189Trp)

Genes: DOCK6 (dedicator of cytokinesis 6; minus strand), DOCK6-AS1 (DOCK6 antisense RNA 1; plus strand). Cytogenetic location: 19p13.2.
Variant type: single nucleotide variant.
Coding change: c.3565C>T on transcript NM_020812.4 (MANE Select); coding-DNA position 3565, C replaced by T.
Protein change: p.Arg1189Trp; replaces arginine 1189 with tryptophan.
Molecular consequence: missense variant.
Genome position (GRCh38, 1-based): chr19:11,217,377, G>A on the plus strand (C>T on the coding strand, the complement: DOCK6 is on the minus strand). VCF-style: chr19-11217377-G-A. GRCh37 (hg19) VCF-style: chr19-11328053-G-A.
Other names: c.3670C>T, p.Arg1224Trp (NM_001367830.1); c.3565C>T (NM_020812.2); short protein forms R1224W, R1189W.
Identifiers: ClinVar variation 1501383 (VCV001501383.5), dbSNP rs778637528, ClinGen allele CA9207200.